The following is an entry in ClinVar:

ClinVar aggregate classification (germline): Uncertain significance (1 of 4 stars; one submission).

Allele frequency attached by ClinVar (database versions not stated): gnomAD exomes below 0.00001.

Submission:

Labcorp Genetics (formerly Invitae), Labcorp
Classification: Uncertain significance. Last evaluated: 2022-08-02. Review status: criteria provided, single submitter. Criteria: Invitae Variant Classification Sherloc (09022015). Collection method: clinical testing. Allele origin: germline.
Comment: This sequence change falls in intron 6 of the TK2 gene. It does not directly change the encoded amino acid sequence of the TK2 protein. It affects a nucleotide within the consensus splice site. This variant is not present in population databases (gnomAD no frequency). This variant has not been reported in the literature in individuals affected with TK2-related conditions. Variants that disrupt the consensus splice site are a relatively common cause of aberrant splicing (PMID: 17576681, 9536098). Algorithms developed to predict the effect of sequence changes on RNA splicing suggest that this variant may disrupt the consensus splice site. In summary, the available evidence is currently insufficient to determine the role of this variant in disease. Therefore, it has been classified as a Variant of Uncertain Significance.

Literature cited by the submitters: PubMed 17576681; PubMed 9536098.

NM_004614.5(TK2):c.450-3C>A

Gene: TK2 (thymidine kinase 2; minus strand). Cytogenetic location: 16q21.
Variant type: single nucleotide variant.
Coding change: c.450-3C>A on transcript NM_004614.5 (MANE Select); 3 bases into the intron before coding-DNA position 450, C replaced by A.
Molecular consequence: intron variant.
Genome position (GRCh38, 1-based): chr16:66,517,880, G>T on the plus strand (C>A on the coding strand, the complement: TK2 is on the minus strand). VCF-style: chr16-66517880-G-T. GRCh37 (hg19) VCF-style: chr16-66551783-G-T.
Other names: c.357-4069C>A (NM_001271935.1); c.357-3C>A (NM_001172643.1); c.375-3C>A (NM_001172644.2); c.396-3C>A (NM_001172645.2); c.303-3C>A (NM_001271934.2); c.159-3C>A (NM_001272050.2).
Identifiers: ClinVar variation 2021104 (VCV002021104.1), dbSNP rs1182021840, ClinGen allele CA2580091778.